The following is an entry in ClinVar:

ClinVar aggregate classification (germline): Uncertain significance. Review status: criteria provided, multiple submitters, no conflicts (2 of 4 stars). 2 submissions from 2 submitters: Uncertain significance (2). Last evaluated 2022-06-15.

Conditions:
Familial hypobetalipoproteinemia 1. Also called: Hypobetalipoproteinemia, normotriglyceridemic; Acanthocytosis with hypobetalipoproteinemia; APOB-Related Familial Hypobetalipoproteinemia. Identifiers: MedGen C4551990, MONDO:0014252, OMIM 615558.
Hypercholesterolemia, autosomal dominant, type B (FHCL2). Also called: Familial Hypercholesterolemia Type B; HYPERCHOLESTEROLEMIA, FAMILIAL, DUE TO LIGAND-DEFECTIVE APOLIPOPROTEIN B; Familial hypercholesterolemia 2; APOB-Related Familial Hypercholesterolemia, Autosomal Dominant; APOLIPOPROTEIN B-100, FAMILIAL DEFECTIVE; APOLIPOPROTEIN B-100, FAMILIAL LIGAND-DEFECTIVE. Identifiers: MedGen C1704417, MONDO:0007751, OMIM 144010.
Familial hypercholesterolemia. Also called: Familial hypercholesterolemias; Familial hypercholesterolaemia. Identifiers: MedGen C0020445, MONDO:0005439.

Allele frequency attached by ClinVar (database versions not stated): gnomAD exomes below 0.00001.
gnomAD v4.1: 2 of 1,614,066 alleles (0.00012%); highest among the groups gnomAD compares: Non-Finnish European, 0.000085%; no homozygotes.

Submissions (2):

Labcorp Genetics (formerly Invitae), Labcorp
Classification: Uncertain significance for Familial hypobetalipoproteinemia 1; Hypercholesterolemia, autosomal dominant, type B. Last evaluated: 2022-06-15. Review status: criteria provided, single submitter. Criteria: Invitae Variant Classification Sherloc (09022015). Collection method: clinical testing. Allele origin: germline.
Comment: This sequence change replaces histidine, which is basic and polar, with leucine, which is neutral and non-polar, at codon 48 of the APOB protein (p.His48Leu). This variant is present in population databases (no rsID available, gnomAD 0.0009%). This variant has not been reported in the literature in individuals affected with APOB-related conditions. ClinVar contains an entry for this variant (Variation ID: 919961). Algorithms developed to predict the effect of missense changes on protein structure and function are either unavailable or do not agree on the potential impact of this missense change (SIFT: "Deleterious"; PolyPhen-2: "Possibly Damaging"; Align-GVGD: "Class C0"). In summary, the available evidence is currently insufficient to determine the role of this variant in disease. Therefore, it has been classified as a Variant of Uncertain Significance.

Color Diagnostics, LLC DBA Color Health
Classification: Uncertain significance for Familial hypercholesterolemia. Last evaluated: 2019-02-11. Review status: criteria provided, single submitter. Criteria: ACMG Guidelines, 2015. Collection method: clinical testing. Allele origin: germline.
Comment: Variant of Uncertain Significance due to insufficient evidence: This missense variant (also known as p.His21Leu in the mature protein) replaces histidine with leucine at codon 48 of the APOB protein. Computational prediction tools and conservation analyses are inconclusive regarding the impact of this variant on the protein function. Computational splicing tools suggest that this variant may not impact RNA splicing. To our knowledge, functional assays have not been performed for this variant nor has this variant been reported in individuals affected with familial hypercholesterolemia in the literature. This variant has been identified in 1/246272 chromosomes in the general population by the Genome Aggregation Database (gnomAD). Available evidence is insufficient to determine the role of this variant in disease conclusively.

NM_000384.3(APOB):c.143A>T (p.His48Leu)

Genes: APOB (apolipoprotein B; minus strand), LOC106560211 (APOB 5' regulatory region; plus strand). Cytogenetic location: 2p24.1.
Variant type: single nucleotide variant.
Coding change: c.143A>T on transcript NM_000384.3 (MANE Select); coding-DNA position 143, A replaced by T.
Protein change: p.His48Leu; replaces histidine 48 with leucine.
Molecular consequence: missense variant.
Genome position (GRCh38, 1-based): chr2:21,042,455, T>A on the plus strand (A>T on the coding strand, the complement: APOB is on the minus strand). VCF-style: chr2-21042455-T-A. GRCh37 (hg19) VCF-style: chr2-21265327-T-A.
Other names: short protein forms H48L.
Identifiers: ClinVar variation 919961 (VCV000919961.5), dbSNP rs1415387096, ClinGen allele CA345965254.